The following is an entry in ClinVar:

ClinVar aggregate classification (germline): Uncertain significance. Review status: criteria provided, multiple submitters, no conflicts (2 of 4 stars). 3 submissions from 3 submitters: Uncertain significance (3). Last evaluated 2025-06-30.

Conditions:
3M syndrome 2. Also called: 3-M Syndrome, OBSL1-Related; THREE M SYNDROME 2. Identifiers: Orphanet 2616, MedGen C2752041, MONDO:0013039, OMIM 612921.

Allele frequency attached by ClinVar (database versions not stated): gnomAD 0.00001; TOPMed 0.00002.
gnomAD v4.1: 14 of 1,469,328 alleles (0.00095%); highest among the groups gnomAD compares: Non-Finnish European, 0.00009%; no homozygotes.

Submissions (3):

Women's Health and Genetics/Laboratory Corporation of America, LabCorp
Classification: Uncertain significance. Last evaluated: 2025-06-30. Review status: criteria provided, single submitter. Criteria: LabCorp Variant Classification Summary - May 2015. Collection method: clinical testing. Allele origin: germline.
Comment: Variant summary: OBSL1 c.142G>A (p.Gly48Ser) results in a non-conservative amino acid change in the encoded protein sequence. Algorithms developed to predict the effect of missense changes on protein structure and function are either unavailable or do not agree on the potential impact of this missense change. The frequency data for this variant in gnomAD is considered unreliable, as metrics indicate poor data quality at this position. To our knowledge, no occurrence of c.142G>A in individuals affected with Three M Syndrome 2 and no experimental evidence demonstrating its impact on protein function have been reported. ClinVar contains an entry for this variant (Variation ID: 896324). Based on the evidence outlined above, the variant was classified as uncertain significance.

Labcorp Genetics (formerly Invitae), Labcorp
Classification: Uncertain significance. Last evaluated: 2022-09-27. Review status: criteria provided, single submitter. Criteria: Invitae Variant Classification Sherloc (09022015). Collection method: clinical testing. Allele origin: germline.
Comment: This sequence change replaces glycine, which is neutral and non-polar, with serine, which is neutral and polar, at codon 48 of the OBSL1 protein (p.Gly48Ser). The frequency data for this variant in the population databases is considered unreliable, as metrics indicate poor data quality at this position in the gnomAD database. This variant has not been reported in the literature in individuals affected with OBSL1-related conditions. ClinVar contains an entry for this variant (Variation ID: 896324). Algorithms developed to predict the effect of missense changes on protein structure and function (SIFT, PolyPhen-2, Align-GVGD) all suggest that this variant is likely to be tolerated. In summary, the available evidence is currently insufficient to determine the role of this variant in disease. Therefore, it has been classified as a Variant of Uncertain Significance.

Illumina Laboratory Services, Illumina
Classification: Uncertain significance for 3M syndrome 2. Last evaluated: 2018-01-13. Review status: criteria provided, single submitter. Criteria: ICSL Variant Classification Criteria 13 December 2019. Collection method: clinical testing. Allele origin: germline.

NM_015311.3(OBSL1):c.142G>A (p.Gly48Ser)

Gene: OBSL1 (obscurin like cytoskeletal adaptor 1; minus strand). Cytogenetic location: 2q35.
Variant type: single nucleotide variant.
Coding change: c.142G>A on transcript NM_015311.3 (MANE Select); coding-DNA position 142, G replaced by A.
Protein change: p.Gly48Ser; replaces glycine 48 with serine.
Molecular consequence: missense variant.
Genome position (GRCh38, 1-based): chr2:219,571,091, C>T on the plus strand (G>A on the coding strand, the complement: OBSL1 is on the minus strand). VCF-style: chr2-219571091-C-T. GRCh37 (hg19) VCF-style: chr2-220435813-C-T.
Other names: c.142G>A, p.Gly48Ser (NM_001173408.2, NM_001173431.2); short protein forms G48S.
Identifiers: ClinVar variation 896324 (VCV000896324.12), dbSNP rs994677442, ClinGen allele CA66039174.